The following is an entry in ClinVar:

ClinVar aggregate classification (germline): Uncertain significance (1 of 4 stars; one submission).

Conditions:
Inborn genetic diseases. Identifiers: MedGen C0950123, MeSH D030342.

Submission:

Ambry Genetics
Classification: Uncertain significance for Inborn genetic diseases. Last evaluated: 2023-03-17. Review status: criteria provided, single submitter. Criteria: Ambry Variant Classification Scheme 2023. Collection method: clinical testing. Allele origin: germline.
Comment: The p.I205L variant (also known as c.613A>C), located in coding exon 4 of the ATR gene, results from an A to C substitution at nucleotide position 613. The isoleucine at codon 205 is replaced by leucine, an amino acid with highly similar properties. This amino acid position is conserved. In addition, this alteration is predicted to be tolerated by in silico analysis. Since supporting evidence is limited at this time, the clinical significance of this alteration remains unclear.

NM_001184.4(ATR):c.613A>C (p.Ile205Leu)

Gene: ATR (ATR checkpoint kinase; minus strand). Cytogenetic location: 3q23.
Variant type: single nucleotide variant.
Coding change: c.613A>C on transcript NM_001184.4 (MANE Select); coding-DNA position 613, A replaced by C.
Protein change: p.Ile205Leu; replaces isoleucine 205 with leucine.
Molecular consequence: missense variant.
Genome position (GRCh38, 1-based): chr3:142,562,789, T>G on the plus strand (A>C on the coding strand, the complement: ATR is on the minus strand). VCF-style: chr3-142562789-T-G. GRCh37 (hg19) VCF-style: chr3-142281631-T-G.
Other names: c.613A>C, p.Ile205Leu (NM_001354579.2); short protein forms I205L.
Identifiers: ClinVar variation 2567776 (VCV002567776.2), dbSNP rs2473428676, ClinGen allele CA354826258.